The following is an entry in ClinVar:

ClinVar aggregate classification (germline): Uncertain significance (1 of 4 stars; one submission).

Conditions:
DIP2B-related disorder. Also called: DIP2B-related condition.

gnomAD v4.1: 1 of 1,614,152 alleles (0.000062%); highest among the groups gnomAD compares: South Asian, 0.0011%; no homozygotes.

Submission:

PreventionGenetics, part of Exact Sciences
Classification: Uncertain significance for DIP2B-related condition. Last evaluated: 2026-06-05. Review status: criteria provided, single submitter. Criteria: ACMG Guidelines, 2015. Collection method: clinical testing. Allele origin: germline.
Comment: The DIP2B c.3559T>C variant is predicted to result in the amino acid substitution p.Cys1187Arg. To our knowledge, this variant has not been reported in the literature. This variant is reported in 0.0033% of alleles in individuals of South Asian descent in gnomAD. At this time, the clinical significance of this variant is uncertain due to the absence of conclusive functional and genetic evidence.

NM_173602.3(DIP2B):c.3559T>C (p.Cys1187Arg)

Gene: DIP2B (DIP2 acetate--CoA ligase B (putative); plus strand). Cytogenetic location: 12q13.12.
Variant type: single nucleotide variant.
Coding change: c.3559T>C on transcript NM_173602.3 (MANE Select); coding-DNA position 3559, T replaced by C.
Protein change: p.Cys1187Arg; replaces cysteine 1187 with arginine.
Molecular consequence: missense variant.
Genome position (GRCh38, 1-based): chr12:50,728,596, T>C. VCF-style: chr12-50728596-T-C. GRCh37 (hg19) VCF-style: chr12-51122379-T-C.
Other names: short protein forms C1187R.
Identifiers: ClinVar variation 4993777 (VCV004993777.1).